The following is an entry in ClinVar:

NM_002890.3(RASA1):c.2491A>C (p.Ser831Arg)

Genes: CCNH (cyclin H; minus strand), RASA1 (RAS p21 protein activator 1; plus strand). Cytogenetic location: 5q14.3.
Variant type: single nucleotide variant.
Coding change: c.2491A>C on transcript NM_002890.3 (MANE Select); coding-DNA position 2491, A replaced by C.
Protein change: p.Ser831Arg; replaces serine 831 with arginine.
Molecular consequence: missense variant. On other transcripts: intron variant (1).
Genome position (GRCh38, 1-based): chr5:87,379,738, A>C. VCF-style: chr5-87379738-A-C. GRCh37 (hg19) VCF-style: chr5-86675555-A-C.
Other names: c.1960A>C, p.Ser654Arg (NM_022650.3); c.933+15306T>G (NM_001364075.2); short protein forms S654R, S831R.
Identifiers: ClinVar variation 2767463 (VCV002767463.3), dbSNP rs2531359762, ClinGen allele CA360383562.

ClinVar aggregate classification (germline): Uncertain significance (1 of 4 stars; one submission).

Conditions:
Capillary malformation-arteriovenous malformation syndrome. Also called: Capillary malformation-arteriovenous malformation. Identifiers: Orphanet 137667, MedGen C1842180, MONDO:0012016.

Submission:

Labcorp Genetics (formerly Invitae), Labcorp
Classification: Uncertain significance for Capillary malformation-arteriovenous malformation syndrome. Last evaluated: 2023-10-10. Review status: criteria provided, single submitter. Criteria: Invitae Variant Classification Sherloc (09022015). Collection method: clinical testing. Allele origin: germline.
Comment: This sequence change replaces serine, which is neutral and polar, with arginine, which is basic and polar, at codon 831 of the RASA1 protein (p.Ser831Arg). This variant is not present in population databases (gnomAD no frequency). This variant has not been reported in the literature in individuals affected with RASA1-related conditions. An algorithm developed to predict the effect of missense changes on protein structure and function (PolyPhen-2) suggests that this variant is likely to be disruptive. In summary, the available evidence is currently insufficient to determine the role of this variant in disease. Therefore, it has been classified as a Variant of Uncertain Significance.